The following is an entry in ClinVar:

NM_004153.4(ORC1):c.1051G>A (p.Val351Met)

Gene: ORC1 (origin recognition complex subunit 1; minus strand). Cytogenetic location: 1p32.3.
Variant type: single nucleotide variant.
Coding change: c.1051G>A on transcript NM_004153.4 (MANE Select); coding-DNA position 1051, G replaced by A.
Protein change: p.Val351Met; replaces valine 351 with methionine.
Molecular consequence: missense variant.
Genome position (GRCh38, 1-based): chr1:52,393,474, C>T on the plus strand (G>A on the coding strand, the complement: ORC1 is on the minus strand). VCF-style: chr1-52393474-C-T. GRCh37 (hg19) VCF-style: chr1-52859146-C-T.
Other names: c.1051G>A, p.Val351Met (NM_001190818.2, NM_001190819.2); c.1051G>A (NM_004153.3); short protein forms V351M.
Identifiers: ClinVar variation 1020946 (VCV001020946.7), dbSNP rs771442415, ClinGen allele CA853458.

ClinVar aggregate classification (germline): Uncertain significance. Review status: criteria provided, multiple submitters, no conflicts (2 of 4 stars). 2 submissions from 2 submitters: Uncertain significance (2). Last evaluated 2024-09-12.

Conditions:
Inborn genetic diseases. Identifiers: MedGen C0950123, MeSH D030342.

Allele frequency attached by ClinVar (database versions not stated): gnomAD 0.00001 and 0.00002; TOPMed 0.00005; ExAC 0.00007.
gnomAD v4.1: 78 of 1,614,032 alleles (0.0048%); highest among the groups gnomAD compares: South Asian, 0.0088%; no homozygotes.

Submissions (2):

Ambry Genetics
Classification: Uncertain significance for Inborn genetic diseases. Last evaluated: 2024-09-12. Review status: criteria provided, single submitter. Criteria: Ambry Variant Classification Scheme 2023. Collection method: clinical testing. Allele origin: germline.

Labcorp Genetics (formerly Invitae), Labcorp
Classification: Uncertain significance. Last evaluated: 2021-02-04. Review status: criteria provided, single submitter. Criteria: Invitae Variant Classification Sherloc (09022015). Collection method: clinical testing. Allele origin: germline.
Comment: This sequence change replaces valine with methionine at codon 351 of the ORC1 protein (p.Val351Met). The valine residue is moderately conserved and there is a small physicochemical difference between valine and methionine. This variant is present in population databases (rs771442415, ExAC 0.03%). In summary, the available evidence is currently insufficient to determine the role of this variant in disease. Therefore, it has been classified as a Variant of Uncertain Significance. Algorithms developed to predict the effect of missense changes on protein structure and function output the following: SIFT: "Tolerated"; PolyPhen-2: "Benign"; Align-GVGD: "Class C0". The methionine amino acid residue is found in multiple mammalian species, suggesting that this missense change does not adversely affect protein function. These predictions have not been confirmed by published functional studies and their clinical significance is uncertain. This variant has not been reported in the literature in individuals with ORC1-related conditions.